The following is an entry in ClinVar:

NM_015662.3(IFT172):c.1326-196G>A

Gene: IFT172 (intraflagellar transport 172; minus strand). Cytogenetic location: 2p23.3.
Variant type: single nucleotide variant.
Coding change: c.1326-196G>A on transcript NM_015662.3 (MANE Select); 196 bases into the intron before coding-DNA position 1326, G replaced by A.
Molecular consequence: intron variant.
Genome position (GRCh38, 1-based): chr2:27,476,922, C>T on the plus strand (G>A on the coding strand, the complement: IFT172 is on the minus strand). VCF-style: chr2-27476922-C-T. GRCh37 (hg19) VCF-style: chr2-27699789-C-T.
Identifiers: ClinVar variation 681836 (VCV000681836.2), dbSNP rs56047188, ClinGen allele CA11286118.

ClinVar aggregate classification (germline): Benign. Review status: criteria provided, multiple submitters, no conflicts (2 of 4 stars). 2 submissions from 2 submitters: Benign (2). Last evaluated 2018-06-16.

Allele frequency attached by ClinVar (database versions not stated): 1000 Genomes Project 0.05611; 1000 Genomes Project 30x 0.05996; gnomAD 0.06597 and 0.06870; TOPMed 0.06991.
gnomAD v4.1: 32,349 of 589,842 alleles (5.5%); highest among the groups gnomAD compares: African/African-American, 11%; 1,111 homozygotes.

Submissions (2):

GeneDx
Classification: Benign. Last evaluated: 2018-06-16. Review status: criteria provided, single submitter. Criteria: GeneDx Variant Classification (06012015). Collection method: clinical testing. Allele origin: germline. Affected: yes.
Comment: This variant is considered likely benign or benign based on one or more of the following criteria: it is a conservative change, it occurs at a poorly conserved position in the protein, it is predicted to be benign by multiple in silico algorithms, and/or has population frequency not consistent with disease.

Breakthrough Genomics
Classification: Benign. Review status: criteria provided, single submitter. Criteria: ACMG Guidelines, 2015. Collection method: not provided. Allele origin: germline. Inheritance: Autosomal recessive inheritance. Affected: yes.